The following is an entry in ClinVar:

NM_001199397.3(NEK1):c.1957C>T (p.Arg653Ter)

Gene: NEK1 (NIMA related kinase 1; minus strand). Cytogenetic location: 4q33.
Variant type: single nucleotide variant.
Coding change: c.1957C>T on transcript NM_001199397.3 (MANE Select); coding-DNA position 1957, C replaced by T.
Protein change: p.Arg653Ter; replaces arginine 653 with a stop codon.
Molecular consequence: nonsense. On other transcripts: non-coding transcript variant (1), intron variant (1).
Genome position (GRCh38, 1-based): chr4:169,507,087, G>A on the plus strand (C>T on the coding strand, the complement: NEK1 is on the minus strand). VCF-style: chr4-169507087-G-A. GRCh37 (hg19) VCF-style: chr4-170428238-G-A.
Other names: c.1873C>T (NM_012224.2); c.1825C>T, p.Arg609Ter (NM_001199398.3); c.1666C>T, p.Arg556Ter (NM_001199399.3); c.1741C>T, p.Arg581Ter (NM_001199400.3); c.1957C>T, p.Arg653Ter (NM_001374418.1); c.1873C>T, p.Arg625Ter (NM_001374419.1, NM_012224.4); c.1822C>T, p.Arg608Ter (NM_001374420.1); c.1701+628C>T (NM_001374421.1); and 1 more; short protein forms R556*, R581*, R608*, R609*, R625*, R653*.
Identifiers: ClinVar variation 1332832 (VCV001332832.9), dbSNP rs773156346, ClinGen allele CA3137557.

ClinVar aggregate classification (germline): Pathogenic. Review status: criteria provided, multiple submitters, no conflicts (2 of 4 stars). 6 submissions from 5 submitters: Pathogenic (6). Last evaluated 2026-08-26.

Conditions:
Mohr syndrome (OFD2). Also called: OFDS II; ORAL-FACIAL-DIGITAL SYNDROME, TYPE II; OROFACIODIGITAL SYNDROME II. Identifiers: Orphanet 2751, MedGen C0026363, MONDO:0009642, OMIM 252100.
Amyotrophic lateral sclerosis, susceptibility to, 24. Identifiers: MedGen C4693523, MONDO:0054750, OMIM 617892.
Short-rib thoracic dysplasia 6 with or without polydactyly (SRTD6). Also called: Majewski Syndrome; SHORT RIB-POLYDACTYLY SYNDROME, TYPE IIA; POLYDACTYLY WITH NEONATAL CHONDRODYSTROPHY, TYPE II; SHORT-RIB THORACIC DYSPLASIA 6 WITH POLYDACTYLY; SHORT-RIB THORACIC DYSPLASIA 6 WITHOUT POLYDACTYLY. Identifiers: MedGen C0024507, MONDO:0009894, OMIM 263520.

Allele frequency attached by ClinVar (database versions not stated): gnomAD 0.00001 and 0.00002; gnomAD exomes 0.00001; ExAC 0.00002; TOPMed 0.00003.
gnomAD v4.1: 8 of 1,602,014 alleles (0.0005%); highest among the groups gnomAD compares: African/African-American, 0.0041%; no homozygotes.

Submissions (6):

GeneDx
Classification: Pathogenic. Last evaluated: 2026-08-26. Review status: criteria provided, single submitter. Criteria: GeneDx Variant Classification Process June 2021. Collection method: clinical testing. Allele origin: germline.
Comment: Identified in a patient with ALS in the published literature, but additional research is needed to confirm the relationship between variants in this gene and this condition (PMID: 29149916); Nonsense variant predicted to result in protein truncation or nonsense mediated decay in a gene for which loss of function is a known mechanism of disease; Also known as p.R653*, c.1957C>T; This variant is associated with the following publications: (PMID: 32920598, 30408610, 29149916, 41230591)

Labcorp Genetics (formerly Invitae), Labcorp
Classification: Pathogenic for Short-rib thoracic dysplasia 6 with or without polydactyly. Last evaluated: 2024-03-26. Review status: criteria provided, single submitter. Criteria: Invitae Variant Classification Sherloc (09022015). Collection method: clinical testing. Allele origin: germline.
Comment: This sequence change creates a premature translational stop signal (p.Arg625*) in the NEK1 gene. It is expected to result in an absent or disrupted protein product. Loss-of-function variants in NEK1 are known to be pathogenic (PMID: 22499340, 29068549). This variant is present in population databases (rs773156346, gnomAD 0.007%). This premature translational stop signal has been observed in individual(s) with NEK1-related conditions (PMID: 29149916, 32920598). This variant is also known as p.Arg653*. ClinVar contains an entry for this variant (Variation ID: 1332832). For these reasons, this variant has been classified as Pathogenic.

Baylor Genetics
Classification: Pathogenic for Short-rib thoracic dysplasia 6 with or without polydactyly. Last evaluated: 2022-10-21. Review status: criteria provided, single submitter. Criteria: ACMG Guidelines, 2015. Collection method: clinical testing. Allele origin: unknown.

Baylor Genetics
Classification: Pathogenic for Amyotrophic lateral sclerosis, susceptibility to, 24. Last evaluated: 2022-10-21. Review status: criteria provided, single submitter. Criteria: ACMG Guidelines, 2015. Collection method: clinical testing. Allele origin: unknown.

Juno Genomics, Hangzhou Juno Genomics, Inc
Classification: Pathogenic for Mohr syndrome; Amyotrophic lateral sclerosis, susceptibility to, 24; Short-rib thoracic dysplasia 6 with or without polydactyly. Review status: criteria provided, single submitter. Criteria: ACMG Guidelines, 2015. Collection method: clinical testing. Allele origin: germline.
Comment: Absent from controls (or at extremely low frequency if recessive) in Genome Aggregation Database.;Null variant in a gene where loss of function (LOF) is a known mechanism of disease.;Patient's phenotype or family history is highly specific for a disease with a single genetic etiology.

Kasturba Medical College, Manipal, Kasturba Medical College, Manipal, Manipal Academy of Higher Education, Manipal, India
Classification: Pathogenic for Short-rib thoracic dysplasia 6 with or without polydactyly. Review status: criteria provided, single submitter. Criteria: ACMG Guidelines, 2015. Collection method: clinical testing. Allele origin: inherited. Inheritance: Autosomal recessive inheritance. Affected: yes.

Literature cited by the submitters: PubMed 22499340 (cited by Labcorp Genetics (formerly Invitae), Labcorp); PubMed 29068549 (cited by Labcorp Genetics (formerly Invitae), Labcorp); PubMed 29149916 (cited by Labcorp Genetics (formerly Invitae), Labcorp); PubMed 32920598 (cited by Labcorp Genetics (formerly Invitae), Labcorp); PubMed 30408610 (cited by Kasturba Medical College, Manipal, Kasturba Medical College, Manipal, Manipal Academy of Higher Education, Manipal, India).